The following is an entry in ClinVar:

NM_001875.5(CPS1):c.1109C>G (p.Pro370Arg)

Gene: CPS1 (carbamoyl-phosphate synthase 1; plus strand). Cytogenetic location: 2q34.
Variant type: single nucleotide variant.
Coding change: c.1109C>G on transcript NM_001875.5 (MANE Select); coding-DNA position 1109, C replaced by G.
Protein change: p.Pro370Arg; replaces proline 370 with arginine.
Molecular consequence: missense variant. On other transcripts: non-coding transcript variant (1).
Genome position (GRCh38, 1-based): chr2:210,592,901, C>G. VCF-style: chr2-210592901-C-G. GRCh37 (hg19) VCF-style: chr2-211457625-C-G.
Other names: c.1109C>G, p.Pro370Arg (NM_001122633.3, NM_001369257.1); c.1142C>G, p.Pro381Arg (NM_001369256.1); short protein forms P370R, P381R.
Identifiers: ClinVar variation 965979 (VCV000965979.8), dbSNP rs149107897, ClinGen allele CA2086255.

ClinVar aggregate classification (germline): Uncertain significance. Review status: criteria provided, multiple submitters, no conflicts (2 of 4 stars). 3 submissions from 3 submitters: Uncertain significance (2). 1 of the submissions does not count toward it. Last evaluated 2025-02-28.

Conditions:
Inborn genetic diseases. Identifiers: MedGen C0950123, MeSH D030342.
Congenital hyperammonemia, type I. Also called: Carbamoyl-phosphate synthase I deficiency; CPS I DEFICIENCY; Carbamoyl phosphate synthetase 1 deficiency; Hyperammonemia due to carbamoyl phosphate synthetase 1 deficiency; CPS 1 deficiency; Carbamyl phosphate synthetase (CPS) deficiency. Identifiers: Orphanet 147, MedGen C4082171, MONDO:0009376, OMIM 237300.

gnomAD v4.1: 10 of 1,612,400 alleles (0.00062%); highest among the groups gnomAD compares: Admixed American, 0.013%; no homozygotes.

Submissions (3):

Ambry Genetics
Classification: Uncertain significance for Inborn genetic diseases. Last evaluated: 2025-02-28. Review status: criteria provided, single submitter. Criteria: Ambry Variant Classification Scheme 2023. Collection method: clinical testing. Allele origin: germline.

Labcorp Genetics (formerly Invitae), Labcorp
Classification: Uncertain significance for Congenital hyperammonemia, type I. Last evaluated: 2022-09-03. Review status: criteria provided, single submitter. Criteria: Invitae Variant Classification Sherloc (09022015). Collection method: clinical testing. Allele origin: germline.
Comment: This sequence change replaces proline, which is neutral and non-polar, with arginine, which is basic and polar, at codon 370 of the CPS1 protein (p.Pro370Arg). This variant is present in population databases (rs149107897, gnomAD 0.02%). This variant has not been reported in the literature in individuals affected with CPS1-related conditions. ClinVar contains an entry for this variant (Variation ID: 965979). Algorithms developed to predict the effect of missense changes on protein structure and function are either unavailable or do not agree on the potential impact of this missense change (SIFT: "Deleterious"; PolyPhen-2: "Probably Damaging"; Align-GVGD: "Class C0"). In summary, the available evidence is currently insufficient to determine the role of this variant in disease. Therefore, it has been classified as a Variant of Uncertain Significance.

Natera, Inc.
Classification: Uncertain significance for Carbamoyl-phosphate synthase I deficiency. Last evaluated: 2020-07-03. Review status: no assertion criteria provided. Collection method: clinical testing. Allele origin: germline. Not counted in ClinVar's aggregate classification.